The following is an entry in ClinVar:

NM_017852.5(NLRP2):c.2512_2515del (p.Pro838fs)

Gene: NLRP2 (NLR family pyrin domain containing 2; plus strand). Cytogenetic location: 19q13.42.
Variant type: Deletion.
Coding change: c.2512_2515del on transcript NM_017852.5 (MANE Select); coding-DNA positions 2512 to 2515, 4 bases deleted (CCCA; older notation c.2512_2515delCCCA).
Protein change: p.Pro838fs; shifts the reading frame from proline 838.
Molecular consequence: frameshift variant. On other transcripts: non-coding transcript variant (1).
Genome position (GRCh38, 1-based): chr19:54,990,167-54,990,170, CCCA deleted. VCF-style (leftmost placement, unchanged base first): chr19-54990166-CCCCA-C. GRCh37 (hg19) VCF-style: chr19-55501534-CCCCA-C.
Other names: c.2512_2515del, p.Pro838fs (NM_001174081.3); c.2446_2449del, p.Pro816fs (NM_001174082.3); c.2443_2446del, p.Pro815fs (NM_001174083.2); c.2503_2506del, p.Pro835fs (NM_001348003.2); short protein forms P815fs, P816fs, P835fs, P838fs.
Identifiers: ClinVar variation 4281742 (VCV004281742.1).
Genomic context (GRCh38, chr19:54,990,166, plus strand): 5'-CCTCTCCGACAATGAGCTTCTGGATGAGGGTGCTAAGTTGCTGTACACAACTTTGAGACA[CCCCA>C]AGTGCTTTCTGCAGAGGTTGTCGTAAGTCTCTCCTCTCTTACAGAGCAGCTGTGCTTTCG-3'

ClinVar aggregate classification (germline): Uncertain significance (1 of 4 stars; one submission).

Submission:

GeneDx
Classification: Uncertain significance. Last evaluated: 2025-04-12. Review status: criteria provided, single submitter. Criteria: GeneDx Variant Classification Process June 2021. Collection method: clinical testing. Allele origin: germline. Affected: yes.
Comment: Not observed at significant frequency in large population cohorts (gnomAD); Frameshift variant predicted to result in protein truncation or nonsense mediated decay in a gene or region of a gene for which loss of function is not a well-established mechanism of disease; Has not been previously published as pathogenic or benign to our knowledge